The following is an entry in ClinVar:

ClinVar aggregate classification (germline): Uncertain significance (1 of 4 stars; one submission).

Submission:

GeneDx
Classification: Uncertain significance. Last evaluated: 2022-12-30. Review status: criteria provided, single submitter. Criteria: GeneDx Variant Classification Process June 2021. Collection method: clinical testing. Allele origin: germline. Affected: yes.
Comment: Not observed at significant frequency in large population cohorts (gnomAD); In silico analysis supports that this missense variant does not alter protein structure/function; Has not been previously published as pathogenic or benign to our knowledge

NM_000810.4(GABRA5):c.72A>T (p.Leu24Phe)

Gene: GABRA5 (gamma-aminobutyric acid type A receptor subunit alpha5; plus strand). Cytogenetic location: 15q12.
Variant type: single nucleotide variant.
Coding change: c.72A>T on transcript NM_000810.4 (MANE Select); coding-DNA position 72, A replaced by T.
Protein change: p.Leu24Phe; replaces leucine 24 with phenylalanine.
Molecular consequence: missense variant.
Genome position (GRCh38, 1-based): chr15:26,869,320, A>T. VCF-style: chr15-26869320-A-T. GRCh37 (hg19) VCF-style: chr15-27114467-A-T.
Other names: c.72A>T, p.Leu24Phe (NM_001165037.2); short protein forms L24F.
Identifiers: ClinVar variation 1806589 (VCV001806589.2), dbSNP rs2504169269, ClinGen allele CA391461673.